The following is an entry in ClinVar:

NM_020937.4(FANCM):c.4793A>G (p.Asp1598Gly)

Gene: FANCM (FA complementation group M; plus strand). Cytogenetic location: 14q21.2.
Variant type: single nucleotide variant.
Coding change: c.4793A>G on transcript NM_020937.4 (MANE Select); coding-DNA position 4793, A replaced by G.
Protein change: p.Asp1598Gly; replaces aspartic acid 1598 with glycine.
Molecular consequence: missense variant.
Genome position (GRCh38, 1-based): chr14:45,188,815, A>G. VCF-style: chr14-45188815-A-G. GRCh37 (hg19) VCF-style: chr14-45658018-A-G.
Other names: c.4715A>G, p.Asp1572Gly (NM_001308133.2); c.4793A>G (NM_020937.2); short protein forms D1572G, D1598G.
Identifiers: ClinVar variation 830261 (VCV000830261.11), dbSNP rs1405769485, ClinGen allele CA389610708.

ClinVar aggregate classification (germline): Uncertain significance. Review status: criteria provided, multiple submitters, no conflicts (2 of 4 stars). 3 submissions from 3 submitters: Uncertain significance (3). Last evaluated 2025-04-29.

Conditions:
Inborn genetic diseases. Identifiers: MedGen C0950123, MeSH D030342.
Fanconi anemia (FA). Also called: Fanconi's anemia. Identifiers: Orphanet 84, MedGen C0015625, MeSH D005199, MONDO:0019391.
Hereditary breast ovarian cancer syndrome. Also called: Hereditary breast and/or ovarian cancer syndrome; Hereditary breast and ovarian cancer syndrome (HBOC); Breast and ovarian cancer; Hereditary breast and ovarian cancer; BRCA1- and BRCA2-Associated Hereditary Breast and Ovarian Cancer; Hereditary breast and ovarian cancer syndrome. Identifiers: Orphanet 145, MedGen C0677776, MeSH D061325, MONDO:0003582. Disease mechanism: loss of function.

Allele frequency attached by ClinVar (database versions not stated): gnomAD 0.00001; gnomAD exomes 0.00001.
gnomAD v4.1: 15 of 1,611,142 alleles (0.00093%); highest among the groups gnomAD compares: East Asian, 0.029%; no homozygotes.

Submissions (3):

Labcorp Genetics (formerly Invitae), Labcorp
Classification: Uncertain significance for Fanconi anemia. Last evaluated: 2025-04-29. Review status: criteria provided, single submitter. Criteria: Invitae Variant Classification Sherloc (09022015). Collection method: clinical testing. Allele origin: germline.
Comment: This sequence change replaces aspartic acid, which is acidic and polar, with glycine, which is neutral and non-polar, at codon 1598 of the FANCM protein (p.Asp1598Gly). This variant is present in population databases (no rsID available, gnomAD 0.01%). This variant has not been reported in the literature in individuals affected with FANCM-related conditions. ClinVar contains an entry for this variant (Variation ID: 830261). An algorithm developed to predict the effect of missense changes on protein structure and function (PolyPhen-2) suggests that this variant is likely to be disruptive. In summary, the available evidence is currently insufficient to determine the role of this variant in disease. Therefore, it has been classified as a Variant of Uncertain Significance.

Ambry Genetics
Classification: Uncertain significance for Inborn genetic diseases. Last evaluated: 2024-12-04. Review status: criteria provided, single submitter. Criteria: Ambry Variant Classification Scheme 2023. Collection method: clinical testing. Allele origin: germline.
Comment: The p.D1598G variant (also known as c.4793A>G), located in coding exon 20 of the FANCM gene, results from an A to G substitution at nucleotide position 4793. The aspartic acid at codon 1598 is replaced by glycine, an amino acid with similar properties. This amino acid position is conserved. In addition, the in silico prediction for this alteration is inconclusive. Based on the available evidence, the clinical significance of this variant remains unclear.

Cancer Genomics Group, Japanese Foundation For Cancer Research
Classification: Uncertain significance for Hereditary breast and ovarian cancer syndrome. Last evaluated: 2019-05-01. Review status: criteria provided, single submitter. Criteria: ACMG Guidelines, 2015. Collection method: research. Allele origin: germline. Affected: yes.